The following is an entry in ClinVar:

ClinVar aggregate classification (germline): Uncertain significance (1 of 4 stars; one submission).

Submission:

Women's Health and Genetics/Laboratory Corporation of America, LabCorp
Classification: Uncertain significance. Last evaluated: 2025-07-22. Review status: criteria provided, single submitter. Criteria: LabCorp Variant Classification Summary - May 2015. Collection method: clinical testing. Allele origin: germline.
Comment: Variant summary: AEBP1 c.2690T>A (p.Leu897Gln) results in a non-conservative amino acid change in the encoded protein sequence. Algorithms developed to predict the effect of missense changes on protein structure and function are either unavailable or do not agree on the potential impact of this missense change. The variant was absent in 251262 control chromosomes. The available data on variant occurrences in the general population are insufficient to allow any conclusion about variant significance. To our knowledge, no occurrence of c.2690T>A in individuals affected with Ehlers-Danlos syndrome, classic-like, 2 and no experimental evidence demonstrating its impact on protein function have been reported. No submitters have cited clinical-significance assessments for this variant to ClinVar. Based on the evidence outlined above, the variant was classified as uncertain significance.

NM_001129.5(AEBP1):c.2690T>A (p.Leu897Gln)

Gene: AEBP1 (AE binding protein 1; plus strand). Cytogenetic location: 7p13.
Variant type: single nucleotide variant.
Coding change: c.2690T>A on transcript NM_001129.5 (MANE Select); coding-DNA position 2690, T replaced by A.
Protein change: p.Leu897Gln; replaces leucine 897 with glutamine.
Molecular consequence: missense variant.
Genome position (GRCh38, 1-based): chr7:44,113,111, T>A. VCF-style: chr7-44113111-T-A. GRCh37 (hg19) VCF-style: chr7-44152710-T-A.
Other names: short protein forms L897Q.
Identifiers: ClinVar variation 4526293 (VCV004526293.1).